The following is an entry in ClinVar:

NM_022132.5(MCCC2):c.1322T>C (p.Ile441Thr)

Gene: MCCC2 (methylcrotonyl-CoA carboxylase subunit 2; plus strand). Cytogenetic location: 5q13.2.
Variant type: single nucleotide variant.
Coding change: c.1322T>C on transcript NM_022132.5 (MANE Select); coding-DNA position 1322, T replaced by C.
Protein change: p.Ile441Thr; replaces isoleucine 441 with threonine.
Molecular consequence: missense variant.
Genome position (GRCh38, 1-based): chr5:71,649,202, T>C. VCF-style: chr5-71649202-T-C. GRCh37 (hg19) VCF-style: chr5-70945029-T-C.
Other names: p.I441T:ATT>ACT; c.1208T>C, p.Ile403Thr (NM_001363147.1); short protein forms I441T, I403T.
Identifiers: ClinVar variation 203808 (VCV000203808.24), dbSNP rs139852818, ClinGen allele CA312692.

ClinVar aggregate classification (germline): Uncertain significance. Review status: criteria provided, multiple submitters, no conflicts (2 of 4 stars). 10 submissions from 10 submitters: Uncertain significance (7). 3 of the submissions do not count toward it. Last evaluated 2024-11-26.

Conditions:
MCCC2-related disorder. Also called: MCCC2-related condition.
Methylcrotonyl-CoA carboxylase deficiency. Also called: Deficiency of methylcrotonoyl-CoA carboxylase; 3 Methylcrotonylglycinuria; 3-MCC Deficiency. Identifiers: Orphanet 6, MedGen C4551505, MONDO:0018950.
3-methylcrotonyl-CoA carboxylase 2 deficiency. Also called: 3 alpha methylcrotonyl-CoA carboxylase 2 deficiency; 3 alpha methylcrotonylglycinuria 2; MCC 2 deficiency; Methylcrotonylglycinuria type 2; METHYLCROTONYLGLYCINURIA, TYPE II. Identifiers: Orphanet 6, MedGen C1859499, MONDO:0008862, OMIM 210210.

Allele frequency attached by ClinVar (database versions not stated): TOPMed 0.00162; ESP Exome Variant Server 0.00092; gnomAD 0.00137 and 0.00139; 1000 Genomes Project 30x 0.00156; 1000 Genomes Project 0.00160.

Submissions (10):

Blueprint Genetics
Classification: Uncertain significance. Last evaluated: 2024-11-26. Review status: criteria provided, single submitter. Criteria: ACMG Guidelines, 2015. Collection method: clinical testing. Allele origin: germline.

Women's Health and Genetics/Laboratory Corporation of America, LabCorp
Classification: Uncertain significance. Last evaluated: 2024-09-16. Review status: criteria provided, single submitter. Criteria: LabCorp Variant Classification Summary - May 2015. Collection method: clinical testing. Allele origin: germline.
Comment: Variant summary: MCCC2 c.1322T>C (p.Ile441Thr) results in a non-conservative amino acid change located in the acetyl-coenzyme A carboxyltransferase, C-terminal domain (IPR011763) of the encoded protein sequence. Four of five in-silico tools predict a damaging effect of the variant on protein function. The variant allele was found at a frequency of 0.001 in 252008 control chromosomes in the gnomAD database, including 1 homozygotes. This frequency is not significantly higher than estimated for a pathogenic variant in MCCC2 causing Methylcrotonyl-CoA Carboxylase Deficiency (0.001 vs 0.0042), allowing no conclusion about variant significance. c.1322T>C has been reported in the literature in individuals affected with Methylcrotonyl-CoA Carboxylase Deficiency (e.g. Fonseca_2016, Martin-Rivada_2022) and in an individual with mitochondrial complex I deficiency (Calvo_2010). These data do not allow any conclusion about variant significance. To our knowledge, no experimental evidence demonstrating an impact on protein function has been reported. The following publications have been ascertained in the context of this evaluation (PMID: 20818383, 26764160, 27601257, 35281663). ClinVar contains an entry for this variant (Variation ID: 203808). Based on the evidence outlined above, the variant was classified as uncertain significance.

GeneDx
Classification: Uncertain significance. Last evaluated: 2024-09-06. Review status: criteria provided, single submitter. Criteria: GeneDx Variant Classification Process June 2021. Collection method: clinical testing. Allele origin: germline. Affected: yes.
Comment: In silico analysis supports that this missense variant has a deleterious effect on protein structure/function; This variant is associated with the following publications: (PMID: 25087612, 20818383, 26764160, 20818363, 35281663, 30626930, 27601257)

Fulgent Genetics
Classification: Uncertain significance for 3-methylcrotonyl-CoA carboxylase 2 deficiency. Last evaluated: 2024-03-22. Review status: criteria provided, single submitter. Criteria: ACMG Guidelines, 2015. Collection method: clinical testing. Allele origin: germline.

Labcorp Genetics (formerly Invitae), Labcorp
Classification: Uncertain significance for 3-methylcrotonyl-CoA carboxylase 2 deficiency. Last evaluated: 2022-09-19. Review status: criteria provided, single submitter. Criteria: Invitae Variant Classification Sherloc (09022015). Collection method: clinical testing. Allele origin: germline.
Comment: This sequence change replaces isoleucine, which is neutral and non-polar, with threonine, which is neutral and polar, at codon 441 of the MCCC2 protein (p.Ile441Thr). This variant is present in population databases (rs139852818, gnomAD 0.2%), and has an allele count higher than expected for a pathogenic variant. This missense change has been observed in individual(s) with 3-methycrotonyl-CoA carboxylase deficiency and mitochondrial complex I deficiency (PMID: 20818383, 26764160, 27601257). ClinVar contains an entry for this variant (Variation ID: 203808). Advanced modeling of protein sequence and biophysical properties (such as structural, functional, and spatial information, amino acid conservation, physicochemical variation, residue mobility, and thermodynamic stability) performed at Invitae indicates that this missense variant is not expected to disrupt MCCC2 protein function. In summary, the available evidence is currently insufficient to determine the role of this variant in disease. Therefore, it has been classified as a Variant of Uncertain Significance.

Department of Pathology and Laboratory Medicine, Sinai Health System
Classification: Uncertain significance for 3-methylcrotonyl-CoA carboxylase 2 deficiency. Last evaluated: 2020-08-05. Review status: criteria provided, single submitter. Criteria: ACMG Guidelines, 2015. Collection method: research. Allele origin: germline.

Illumina Laboratory Services, Illumina
Classification: Uncertain significance for 3-methylcrotonyl-CoA carboxylase 2 deficiency. Last evaluated: 2017-04-27. Review status: criteria provided, single submitter. Criteria: ICSL Variant Classification Criteria 13 December 2019. Collection method: clinical testing. Allele origin: germline.

PreventionGenetics, part of Exact Sciences
Classification: Uncertain significance for MCCC2-related condition. Last evaluated: 2024-06-14. Review status: no assertion criteria provided. Collection method: clinical testing. Allele origin: germline. Not counted in ClinVar's aggregate classification.
Comment: The MCCC2 c.1322T>C variant is predicted to result in the amino acid substitution p.Ile441Thr. This variant was reported in at least three individuals with newborn screening/biochemical test results suggestive of 3-methylcrotonyl-CoA carboxylase 2 deficiency (Fonseca et al. 2016. PubMed ID: 27601257; P44 in Table S2 in Navarrete et al. 2019. PubMed ID: 30626930; Martín-Rivada Á et al. 2022. PubMed ID: 35281663). However, this variant is reported in 0.15% of alleles in individuals of Latino descent in gnomAD, which is relatively high for a pathogenic variant. At this time, the clinical significance of this variant is uncertain due to the absence of conclusive functional and genetic evidence.

Natera, Inc.
Classification: Uncertain significance for 3-methylcrotonylglycinuria. Last evaluated: 2020-09-16. Review status: no assertion criteria provided. Collection method: clinical testing. Allele origin: germline. Not counted in ClinVar's aggregate classification.

Division of Human Genetics, Children's Hospital of Philadelphia
Classification: Uncertain significance for 3-methylcrotonyl-CoA carboxylase 2 deficiency. Last evaluated: 2016-03-17. Review status: no assertion criteria provided. Collection method: research. Allele origin: paternal. Affected: yes. Study: CSER-PediSeq. Not counted in ClinVar's aggregate classification.

Literature cited by the submitters: PubMed 20818383 (cited by Women's Health and Genetics/Laboratory Corporation of America, LabCorp and Labcorp Genetics (formerly Invitae), Labcorp); PubMed 26764160 (cited by Women's Health and Genetics/Laboratory Corporation of America, LabCorp and Labcorp Genetics (formerly Invitae), Labcorp); PubMed 27601257 (cited by Women's Health and Genetics/Laboratory Corporation of America, LabCorp and Labcorp Genetics (formerly Invitae), Labcorp); PubMed 35281663 (cited by Women's Health and Genetics/Laboratory Corporation of America, LabCorp); PubMed 20818363 (cited by Division of Human Genetics, Children's Hospital of Philadelphia).